The following is an entry in ClinVar:

NM_001211.6(BUB1B):c.3002T>C (p.Leu1001Pro)

Genes: BUB1B (BUB1 mitotic checkpoint serine/threonine kinase B; plus strand), BUB1B-PAK6 (BUB1B-PAK6 readthrough; plus strand). Cytogenetic location: 15q15.1.
Variant type: single nucleotide variant.
Coding change: c.3002T>C on transcript NM_001211.6 (MANE Select); coding-DNA position 3002, T replaced by C.
Protein change: p.Leu1001Pro; replaces leucine 1001 with proline.
Molecular consequence: missense variant. On other transcripts: intron variant (2).
Genome position (GRCh38, 1-based): chr15:40,220,608, T>C. VCF-style: chr15-40220608-T-C. GRCh37 (hg19) VCF-style: chr15-40512809-T-C.
Other names: c.-201+2941T>C (NM_001128628.3); c.-118+2941T>C (NM_001128629.3); short protein forms L1001P.
Identifiers: ClinVar variation 3483180 (VCV003483180.1).

ClinVar aggregate classification (germline): Uncertain significance (1 of 4 stars; one submission).

Conditions:
Inborn genetic diseases. Identifiers: MedGen C0950123, MeSH D030342.

Submission:

Ambry Genetics
Classification: Uncertain significance for Inborn genetic diseases. Last evaluated: 2024-08-24. Review status: criteria provided, single submitter. Criteria: Ambry Variant Classification Scheme 2023. Collection method: clinical testing. Allele origin: germline.
Comment: The p.L1001P variant (also known as c.3002T>C), located in coding exon 23 of the BUB1B gene, results from a T to C substitution at nucleotide position 3002. The leucine at codon 1001 is replaced by proline, an amino acid with similar properties. This amino acid position is conserved. In addition, this alteration is predicted to be deleterious by in silico analysis. Based on the available evidence, the clinical significance of this variant remains unclear.